The following is an entry in ClinVar:

ClinVar aggregate classification (germline): Pathogenic (1 of 4 stars; one submission).

Conditions:
Hermansky-Pudlak syndrome 3 (HPS3). Identifiers: Orphanet 231512, Orphanet 79430, MedGen C3888001, MONDO:0013555, OMIM 614072.

Submission:

Myriad Genetics, Inc.
Classification: Pathogenic for Hermansky-Pudlak syndrome 3. Last evaluated: 2026-01-08. Review status: criteria provided, single submitter. Criteria: Myriad Autosomal Dominant, Autosomal Recessive and X-Linked Classification Criteria (2023). Collection method: clinical testing. Allele origin: unknown.
Comment: NM_032383.3(HPS3):c.156C>A(C52*) is a nonsense variant classified as pathogenic in the context of Hermansky-Pudlak syndrome, HPS3-related. C52* has not been observed in cases with relevant disease. Relevant functional assessments of this variant are not available in the literature. C52* has not been observed in referenced population frequency databases. In summary, NM_032383.3(HPS3):c.156C>A(C52*) is a nonsense variant in a gene where loss of function is a known mechanism of disease and is predicted to disrupt protein function. Please note: this variant was assessed in the context of healthy population screening.

NM_032383.5(HPS3):c.156C>A (p.Cys52Ter)

Gene: HPS3 (HPS3 biogenesis of lysosomal organelles complex 2 subunit 1; plus strand). Cytogenetic location: 3q24.
Variant type: single nucleotide variant.
Coding change: c.156C>A on transcript NM_032383.5 (MANE Select); coding-DNA position 156, C replaced by A.
Protein change: p.Cys52Ter; replaces cysteine 52 with a stop codon.
Molecular consequence: nonsense.
Genome position (GRCh38, 1-based): chr3:149,129,879, C>A. VCF-style: chr3-149129879-C-A. GRCh37 (hg19) VCF-style: chr3-148847666-C-A.
Other names: c.156C>A, p.Cys52Ter (NM_001308258.2); short protein forms C52*.
Identifiers: ClinVar variation 5004376 (VCV005004376.1).